The following is an entry in ClinVar:

NM_177550.5(SLC13A5):c.1490G>A (p.Ser497Asn)

Gene: SLC13A5 (solute carrier family 13 member 5; minus strand). Cytogenetic location: 17p13.1.
Variant type: single nucleotide variant.
Coding change: c.1490G>A on transcript NM_177550.5 (MANE Select); coding-DNA position 1490, G replaced by A.
Protein change: p.Ser497Asn; replaces serine 497 with asparagine.
Molecular consequence: missense variant. On other transcripts: intron variant (1).
Genome position (GRCh38, 1-based): chr17:6,687,614, C>T on the plus strand (G>A on the coding strand, the complement: SLC13A5 is on the minus strand). VCF-style: chr17-6687614-C-T. GRCh37 (hg19) VCF-style: chr17-6590933-C-T.
Other names: c.1439G>A, p.Ser480Asn (NM_001284509.2); c.1361G>A, p.Ser454Asn (NM_001284510.2); c.1438-1276G>A (NM_001143838.3); short protein forms S454N, S480N, S497N.
Identifiers: ClinVar variation 3899184 (VCV003899184.1).

ClinVar aggregate classification (germline): Uncertain significance (1 of 4 stars; one submission).

Submission:

GeneDx
Classification: Uncertain significance. Last evaluated: 2024-11-12. Review status: criteria provided, single submitter. Criteria: GeneDx Variant Classification Process June 2021. Collection method: clinical testing. Allele origin: germline. Affected: yes.
Comment: Not observed at significant frequency in large population cohorts (gnomAD); In silico analysis supports that this missense variant has a deleterious effect on protein structure/function; Has not been previously published as pathogenic or benign to our knowledge